The following is an entry in ClinVar:

NM_001036.6(RYR3):c.1924A>G (p.Ile642Val)

Gene: RYR3 (ryanodine receptor 3; plus strand). Cytogenetic location: 15q14.
Variant type: single nucleotide variant.
Coding change: c.1924A>G on transcript NM_001036.6 (MANE Select); coding-DNA position 1924, A replaced by G.
Protein change: p.Ile642Val; replaces isoleucine 642 with valine.
Molecular consequence: missense variant.
Genome position (GRCh38, 1-based): chr15:33,603,124, A>G. VCF-style: chr15-33603124-A-G. GRCh37 (hg19) VCF-style: chr15-33895325-A-G.
Other names: c.1924A>G, p.Ile642Val (NM_001243996.4); short protein forms I642V.
Identifiers: ClinVar variation 1018665 (VCV001018665.8), dbSNP rs146818373, ClinGen allele CA7458296.

ClinVar aggregate classification (germline): Uncertain significance (1 of 4 stars; one submission).

Conditions:
Epileptic encephalopathy. Identifiers: MedGen C0543888, HP:0200134.

Allele frequency attached by ClinVar (database versions not stated): gnomAD exomes 0.00004 and 0.00007; TOPMed 0.00005; gnomAD 0.00007; ExAC 0.00008.
gnomAD v4.1: 72 of 1,613,642 alleles (0.0045%); highest among the groups gnomAD compares: Admixed American, 0.0067%; no homozygotes.

Submission:

Labcorp Genetics (formerly Invitae), Labcorp
Classification: Uncertain significance for Epileptic encephalopathy. Last evaluated: 2019-10-29. Review status: criteria provided, single submitter. Criteria: Invitae Variant Classification Sherloc (09022015). Collection method: clinical testing. Allele origin: germline.
Comment: In summary, the available evidence is currently insufficient to determine the role of this variant in disease. Therefore, it has been classified as a Variant of Uncertain Significance. Algorithms developed to predict the effect of missense changes on protein structure and function (SIFT, PolyPhen-2, Align-GVGD) all suggest that this variant is likely to be tolerated, but these predictions have not been confirmed by published functional studies and their clinical significance is uncertain. This variant has not been reported in the literature in individuals with RYR3-related disease. This variant is present in population databases (rs146818373, ExAC 0.01%). This sequence change replaces isoleucine with valine at codon 642 of the RYR3 protein (p.Ile642Val). The isoleucine residue is highly conserved and there is a small physicochemical difference between isoleucine and valine.